The following is an entry in ClinVar:

NM_032043.3(BRIP1):c.1353A>G (p.Ala451=)

Gene: BRIP1 (BRCA1 interacting DNA helicase 1; minus strand). Cytogenetic location: 17q23.2.
Variant type: single nucleotide variant.
Coding change: c.1353A>G on transcript NM_032043.3 (MANE Select); coding-DNA position 1353, A replaced by G.
Protein change: p.Ala451=; no amino-acid change (alanine 451 retained).
Molecular consequence: synonymous variant.
Genome position (GRCh38, 1-based): chr17:61,793,717, T>C on the plus strand (A>G on the coding strand, the complement: BRIP1 is on the minus strand). VCF-style: chr17-61793717-T-C. GRCh37 (hg19) VCF-style: chr17-59871078-T-C.
Identifiers: ClinVar variation 1770642 (VCV001770642.4), dbSNP rs2545108426, ClinGen allele CA501151317.
Genomic context (GRCh38, chr17:61,793,717, plus strand): 5'-ATTTCCACTCCATATTTTACAAGCTGATTCATAATCTCTTTCTACAAGATATTCAGCGTT[T>C]GCTTCTAACCAACTGAAATAAAATAAAACAATTGTGTCAACCAGTATCATCCTTACACAC-3'
Protein context (NP_114432.2, residues 441-461): VCCSLINWLE[Ala451=]NAEYLVERDY

ClinVar aggregate classification (germline): Conflicting classifications of pathogenicity. Review status: criteria provided, conflicting classifications (1 of 4 stars). 3 submissions from 3 submitters: Uncertain significance (1); Benign (1); Likely benign (1). Last evaluated 2024-08-27.

Conditions:
Hereditary cancer-predisposing syndrome. Also called: Hereditary Cancer Syndrome; Hereditary neoplastic syndrome; Neoplastic Syndromes, Hereditary; Tumor predisposition. Identifiers: Orphanet 140162, MedGen C0027672, MeSH D009386, MONDO:0015356.
Familial cancer of breast. Also called: BREAST CANCER, FAMILIAL; hereditary breast carcinoma; Hereditary breast cancer. Identifiers: Orphanet 227535, MedGen C0346153, MONDO:0016419, OMIM 114480. Disease mechanism: loss of function.

Submissions (3):

Myriad Genetics, Inc.
Classification: Benign for Familial cancer of breast. Last evaluated: 2024-08-27. Review status: criteria provided, single submitter. Criteria: Myriad Autosomal Dominant, Autosomal Recessive and X-Linked Classification Criteria (2023). Collection method: clinical testing. Allele origin: unknown.
Comment: This variant is considered benign. This variant is a silent/synonymous amino acid change and it is not expected to impact splicing.

Quest Diagnostics Nichols Institute San Juan Capistrano
Classification: Uncertain significance. Last evaluated: 2024-05-17. Review status: criteria provided, single submitter. Criteria: Quest Diagnostics criteria. Collection method: clinical testing. Allele origin: unknown.
Comment: The BRIP1 c.1353A>G (p.Ala451=) synonymous variant has not been reported in individuals with BRIP1-related conditions in the published literature. It also has not been reported in large, multi-ethnic general populations (Genome Aggregation Database). Analysis of this variant using software algorithms for the prediction of the effect of nucleotide changes on splicing yielded predictions that this variant does not affect BRIP1 mRNA splicing. Based on the available information, we are unable to determine the clinical significance of this variant.

Ambry Genetics
Classification: Likely benign for Hereditary cancer-predisposing syndrome. Last evaluated: 2020-02-03. Review status: criteria provided, single submitter. Criteria: Ambry Variant Classification Scheme 2023. Collection method: clinical testing. Allele origin: germline.